The following is an entry in ClinVar:

ClinVar aggregate classification (germline): Uncertain significance (1 of 4 stars; one submission).

Submission:

GeneDx
Classification: Uncertain significance. Last evaluated: 2024-09-12. Review status: criteria provided, single submitter. Criteria: GeneDx Variant Classification Process June 2021. Collection method: clinical testing. Allele origin: germline. Affected: yes.
Comment: Not observed at significant frequency in large population cohorts (gnomAD); In silico analysis indicates that this missense variant does not alter protein structure/function; Has not been previously published as pathogenic or benign to our knowledge

NM_005068.3(SIM1):c.163G>A (p.Val55Met)

Gene: SIM1 (SIM bHLH transcription factor 1; minus strand). Cytogenetic location: 6q16.3.
Variant type: single nucleotide variant.
Coding change: c.163G>A on transcript NM_005068.3 (MANE Select); coding-DNA position 163, G replaced by A.
Protein change: p.Val55Met; replaces valine 55 with methionine.
Molecular consequence: missense variant.
Genome position (GRCh38, 1-based): chr6:100,463,306, C>T on the plus strand (G>A on the coding strand, the complement: SIM1 is on the minus strand). VCF-style: chr6-100463306-C-T. GRCh37 (hg19) VCF-style: chr6-100911182-C-T.
Other names: c.163G>A, p.Val55Met (NM_001374769.1); short protein forms V55M.
Identifiers: ClinVar variation 3769704 (VCV003769704.1).